The following is an entry in ClinVar:

NM_020207.7(ERCC6L2):c.1760G>T (p.Gly587Val)

Gene: ERCC6L2 (ERCC excision repair 6 like 2; plus strand). Cytogenetic location: 9q22.32.
Variant type: single nucleotide variant.
Coding change: c.1760G>T on transcript NM_020207.7 (MANE Select); coding-DNA position 1760, G replaced by T.
Protein change: p.Gly587Val; replaces glycine 587 with valine.
Molecular consequence: missense variant. On other transcripts: non-coding transcript variant (1).
Genome position (GRCh38, 1-based): chr9:95,941,462, G>T. VCF-style: chr9-95941462-G-T. GRCh37 (hg19) VCF-style: chr9-98703744-G-T.
Other names: c.1760G>T, p.Gly587Val (NM_001010895.4, NM_001375291.1, NM_001375292.1 and 2 more transcripts); short protein forms G587V.
Identifiers: ClinVar variation 4019368 (VCV004019368.1).
Genomic context (GRCh38, chr9:95,941,462, plus strand): 5'-ACAGTTAGTTTTTGCTGTTCTAATGTGCTTTTTTTTTTTCTCTTTCCTCCAGGGCTGGTG[G>T]ACTAGGCCTCAATTTTGTCGGTGCCAATGTTGTTGTATTATTTGATCCTACTTGGAATCC-3'
Protein context (NP_064592.3, residues 577-597): NICLVSTMAG[Gly587Val]LGLNFVGANV

ClinVar aggregate classification (germline): Uncertain significance (1 of 4 stars; one submission).

Conditions:
Inborn genetic diseases. Identifiers: MedGen C0950123, MeSH D030342.

Submission:

Ambry Genetics
Classification: Uncertain significance for Inborn genetic diseases. Last evaluated: 2025-05-21. Review status: criteria provided, single submitter. Criteria: Ambry Variant Classification Scheme 2023. Collection method: clinical testing. Allele origin: germline.
Comment: The p.G587V variant (also known as c.1760G>T), located in coding exon 12 of the ERCC6L2 gene, results from a G to T substitution at nucleotide position 1760. The glycine at codon 587 is replaced by valine, an amino acid with dissimilar properties. This amino acid position is conserved. In addition, this alteration is predicted to be deleterious by in silico analysis. Based on the available evidence, the clinical significance of this variant remains unclear.